The following is an entry in ClinVar:

ClinVar aggregate classification (germline): Likely benign (1 of 4 stars; one submission).

Submission:

CeGaT Center for Human Genetics Tuebingen
Classification: Likely benign. Last evaluated: 2023-01-01. Review status: criteria provided, single submitter. Criteria: CeGaT Center For Human Genetics Tuebingen Variant Classification Criteria Version 2. Collection method: clinical testing. Allele origin: germline. Affected: yes. Observed: 1 variant allele.
Comment: FHIP1B: PM2:Supporting, BP4, BP7

NM_001098794.2(FHIP1B):c.2298G>C (p.Leu766=)

Gene: FHIP1B (FHF complex subunit HOOK interacting protein 1B; minus strand). Cytogenetic location: 11p15.4.
Variant type: single nucleotide variant.
Coding change: c.2298G>C on transcript NM_001098794.2 (MANE Select); coding-DNA position 2298, G replaced by C.
Protein change: p.Leu766=; no amino-acid change (leucine 766 retained).
Molecular consequence: synonymous variant.
Genome position (GRCh38, 1-based): chr11:6,214,829, C>G on the plus strand (G>C on the coding strand, the complement: FHIP1B is on the minus strand). VCF-style: chr11-6214829-C-G. GRCh37 (hg19) VCF-style: chr11-6236059-C-G.
Other names: c.2340G>C, p.Leu780= (NM_032127.4).
Identifiers: ClinVar variation 2641548 (VCV002641548.24), dbSNP rs2494201440, ClinGen allele CA472906605.